The following is an entry in ClinVar:

ClinVar aggregate classification (germline): Uncertain significance (1 of 4 stars; one submission).

Conditions:
Hereditary cancer-predisposing syndrome. Also called: Hereditary neoplastic syndrome; Neoplastic Syndromes, Hereditary; Tumor predisposition; Hereditary Cancer Syndrome. Identifiers: Orphanet 140162, MedGen C0027672, MeSH D009386, MONDO:0015356.

Submission:

Ambry Genetics
Classification: Uncertain significance for Hereditary cancer-predisposing syndrome. Last evaluated: 2025-01-14. Review status: criteria provided, single submitter. Criteria: Ambry Variant Classification Scheme 2023. Collection method: clinical testing. Allele origin: germline.
Comment: The p.K1589R variant (also known as c.4766A>G), located in coding exon 22 of the DICER1 gene, results from an A to G substitution at nucleotide position 4766. The lysine at codon 1589 is replaced by arginine, an amino acid with highly similar properties. This amino acid position is conserved. In addition, this alteration is predicted to be tolerated by in silico analysis. Based on the available evidence, the clinical significance of this variant remains unclear.

NM_177438.3(DICER1):c.4766A>G (p.Lys1589Arg)

Gene: DICER1 (dicer 1, ribonuclease III; minus strand). Cytogenetic location: 14q32.13.
Variant type: single nucleotide variant.
Coding change: c.4766A>G on transcript NM_177438.3 (MANE Select); coding-DNA position 4766, A replaced by G.
Protein change: p.Lys1589Arg; replaces lysine 1589 with arginine.
Molecular consequence: missense variant. On other transcripts: non-coding transcript variant (6).
Genome position (GRCh38, 1-based): chr14:95,096,154, T>C on the plus strand (A>G on the coding strand, the complement: DICER1 is on the minus strand). VCF-style: chr14-95096154-T-C. GRCh37 (hg19) VCF-style: chr14-95562491-T-C.
Other names: c.4484A>G, p.Lys1495Arg (NM_001395686.1); c.4766A>G, p.Lys1589Arg (NM_001395684.1, NM_001195573.1, NM_001271282.3 and 12 more transcripts); c.4361A>G, p.Lys1454Arg (NM_001395687.1, NM_001395688.1, NM_001395689.1 and 2 more transcripts); c.4199A>G, p.Lys1400Arg (NM_001395691.1); c.3083A>G, p.Lys1028Arg (NM_001395697.1); short protein forms K1589R, K1400R, K1028R, K1454R, K1495R.
Identifiers: ClinVar variation 3840003 (VCV003840003.1).